The following is an entry in ClinVar:

ClinVar aggregate classification (germline): Pathogenic (1 of 4 stars; one submission).

Conditions:
Congenital afibrinogenemia. Identifiers: Orphanet 335, Orphanet 98880, MedGen C2584774, MONDO:0008737, OMIM 202400.

Submission:

Women's Health and Genetics/Laboratory Corporation of America, LabCorp
Classification: Pathogenic for Congenital afibrinogenemia. Last evaluated: 2023-12-27. Review status: criteria provided, single submitter. Criteria: LabCorp Variant Classification Summary - May 2015. Collection method: clinical testing. Allele origin: germline.
Comment: Variant summary: The variant involves the deletion of exons 1-8 (full coding region) in the FGB gene. A presumed nomenclature of c.(?_-9)_(*2158_?)del has been designated for the purposes of this classification. This deletion includes the entire coding sequence of the gene. As the exact proximal and distal breakpoints are unknown, it may extend beyond the annotated region of the gene to include other flanking genes. The variant was absent in 21694 control chromosomes (gnomAD Structural variants dataset). To our knowledge, no occurrence of c.(?_-9)_(*2158_?)del in individuals affected with Afibrinogenemia, Congenital and no experimental evidence demonstrating its impact on protein function have been reported. Other loss of function (pLoF) variants are reported in patients affected with Afibrinogenaemia (PMIDs: 12511408, 35488806). No submitters have cited clinical-significance assessments for this variant to ClinVar after 2014. Based on the evidence outlined above, the variant was classified as pathogenic.

NC_000004.11:g.(?_155484162)_(155493960_?)del

Gene: FGB (fibrinogen beta chain; plus strand). Cytogenetic location: 4q31.3.
Variant type: Deletion.
Identifiers: ClinVar variation 2691428 (VCV002691428.1).